The following is an entry in ClinVar:

ClinVar aggregate classification (germline): Conflicting classifications of pathogenicity. Review status: criteria provided, conflicting classifications (1 of 4 stars). 5 submissions from 5 submitters: Uncertain significance (2); Likely benign (2). 1 of the submissions does not count toward it. Last evaluated 2025-09-24.

Conditions:
Autosomal recessive polycystic kidney disease (ARPKD). Also called: AR polycystic kidney disease. Identifiers: Orphanet 731, Orphanet 8378, MedGen C0085548, MeSH D017044, MONDO:0009889.

Allele frequency attached by ClinVar (database versions not stated): gnomAD 0.00011; TOPMed 0.00012; gnomAD exomes 0.00014; ExAC 0.00017; ESP Exome Variant Server 0.00023.
gnomAD v4.1: 180 of 1,588,808 alleles (0.011%); highest among the groups gnomAD compares: Non-Finnish European, 0.014%; no homozygotes.

Submissions (5):

Labcorp Genetics (formerly Invitae), Labcorp
Classification: Likely benign for Autosomal recessive polycystic kidney disease. Last evaluated: 2025-09-24. Review status: criteria provided, single submitter. Criteria: Invitae Variant Classification Sherloc (09022015). Collection method: clinical testing. Allele origin: germline.

Mayo Clinic Laboratories, Mayo Clinic
Classification: Likely benign. Last evaluated: 2024-12-10. Review status: criteria provided, single submitter. Criteria: ACMG Guidelines, 2015. Collection method: clinical testing. Allele origin: germline. Observed: 1 variant allele.
Comment: BP4, BP7, PM2_supporting

CeGaT Center for Human Genetics Tuebingen
Classification: Uncertain significance. Last evaluated: 2024-04-01. Review status: criteria provided, single submitter. Criteria: CeGaT Center For Human Genetics Tuebingen Variant Classification Criteria Version 2. Collection method: clinical testing. Allele origin: germline. Affected: yes. Observed: 1 variant allele.
Comment: PKHD1: PM2, BP4

Eurofins Ntd Llc (ga)
Classification: Uncertain significance. Last evaluated: 2017-05-18. Review status: criteria provided, single submitter. Criteria: EGL Classification Definitions 2015. Collection method: clinical testing. Allele origin: germline. Observed: 3 variant alleles, 3 heterozygotes.

Natera, Inc.
Classification: Likely benign for Autosomal recessive polycystic kidney disease. Last evaluated: 2020-09-16. Review status: no assertion criteria provided. Collection method: clinical testing. Allele origin: germline. Not counted in ClinVar's aggregate classification.

NM_138694.4(PKHD1):c.8107+8T>G

Gene: PKHD1 (PKHD1 ciliary IPT domain containing fibrocystin/polyductin; minus strand). Cytogenetic location: 6p12.2.
Variant type: single nucleotide variant.
Coding change: c.8107+8T>G on transcript NM_138694.4 (MANE Select); 8 bases into the intron after coding-DNA position 8107, T replaced by G.
Molecular consequence: intron variant.
Genome position (GRCh38, 1-based): chr6:51,847,767, A>C on the plus strand (T>G on the coding strand, the complement: PKHD1 is on the minus strand). VCF-style: chr6-51847767-A-C. GRCh37 (hg19) VCF-style: chr6-51712565-A-C.
Other names: p.?; c.8107+8T>G (NM_170724.3).
Identifiers: ClinVar variation 502032 (VCV000502032.37), dbSNP rs368339881, ClinGen allele CA3851754.